The following is an entry in ClinVar:

ClinVar aggregate classification (germline): Pathogenic (1 of 4 stars; one submission).

Conditions:
Mucopolysaccharidosis, MPS-II (MPS2). Also called: IDS deficiency; Sulfoiduronate sulfatase deficiency; SIDS deficiency; Attenuated MPS (subtype; formerly known as mild MPS II); Severe MPS II; I2S deficiency. Identifiers: Orphanet 580, Orphanet 79388, MedGen C0026705, MONDO:0010674, OMIM 309900.

Submission:

Foundation for Research in Genetics and Endocrinology, FRIGE's Institute of Human Genetics
Classification: Pathogenic for Mucopolysaccharidosis, MPS-II. Last evaluated: 2022-10-01. Review status: criteria provided, single submitter. Criteria: ACMG Guidelines, 2015. Collection method: clinical testing. Allele origin: germline. Inheritance: X-linked recessive inheritance. Affected: yes. Observed: 1 hemizygote.
Comment: The variant has shown hemizygous deletion of c.1007_1180del in exon 8 of IDS gene. This variant is not reported in 1000 genomes and gnomAD databases.

NM_000202.8(IDS):c.1277_1450del (p.Ser426_Asp484delinsTyr)

Gene: IDS (iduronate 2-sulfatase; minus strand). Cytogenetic location: Xq28.
Variant type: Deletion.
Coding change: c.1277_1450del on transcript NM_000202.8 (MANE Select); coding-DNA positions 1277 to 1450, 174 bases deleted.
Protein change: p.Ser426_Asp484delinsTyr.
Molecular consequence: inframe indel.
Genome position (GRCh38, 1-based): chrX:149,482,949-149,483,122, 174 bases deleted. GRCh37 (hg19): chrX:148,564,480-148,564,653.
Other names: c.1007_1180del, p.Ser336_Asp394delinsTyr (NM_001166550.4).
Identifiers: ClinVar variation 1710487 (VCV001710487.3), dbSNP rs2520754861, ClinGen allele CA2580101611.